The following is an entry in ClinVar:

NM_002335.4(LRP5):c.2761C>G (p.Pro921Ala)

Gene: LRP5 (LDL receptor related protein 5; plus strand). Cytogenetic location: 11q13.2.
Variant type: single nucleotide variant.
Coding change: c.2761C>G on transcript NM_002335.4 (MANE Select); coding-DNA position 2761, C replaced by G.
Protein change: p.Pro921Ala; replaces proline 921 with alanine.
Molecular consequence: missense variant.
Genome position (GRCh38, 1-based): chr11:68,413,946, C>G. VCF-style: chr11-68413946-C-G. GRCh37 (hg19) VCF-style: chr11-68181414-C-G.
Other names: c.1018C>G, p.Pro340Ala (NM_001291902.2); short protein forms P340A, P921A.
Identifiers: ClinVar variation 1061747 (VCV001061747.9), dbSNP rs368736765, ClinGen allele CA381618899.
Genomic context (GRCh38, chr11:68,413,946, plus strand): 5'-GATGGCCTCAATGACTGTATGCACAACAACGGGCAGTGTGGGCAGCTGTGCCTTGCCATC[C>G]CCGGCGGCCACCGCTGCGGCTGCGCCTCACACTACACCCTGGACCCCAGCAGCCGCAACT-3'
Protein context (NP_002326.2, residues 911-931): GQCGQLCLAI[Pro921Ala]GGHRCGCASH

ClinVar aggregate classification (germline): Uncertain significance (1 of 4 stars; one submission).

Submission:

Labcorp Genetics (formerly Invitae), Labcorp
Classification: Uncertain significance. Last evaluated: 2025-01-13. Review status: criteria provided, single submitter. Criteria: Invitae Variant Classification Sherloc (09022015). Collection method: clinical testing. Allele origin: germline.
Comment: This sequence change replaces proline, which is neutral and non-polar, with alanine, which is neutral and non-polar, at codon 921 of the LRP5 protein (p.Pro921Ala). This variant is not present in population databases (gnomAD no frequency). This variant has not been reported in the literature in individuals affected with LRP5-related conditions. ClinVar contains an entry for this variant (Variation ID: 1061747). Invitae Evidence Modeling of protein sequence and biophysical properties (such as structural, functional, and spatial information, amino acid conservation, physicochemical variation, residue mobility, and thermodynamic stability) has been performed for this missense variant. However, the output from this modeling did not meet the statistical confidence thresholds required to predict the impact of this variant on LRP5 protein function. In summary, the available evidence is currently insufficient to determine the role of this variant in disease. Therefore, it has been classified as a Variant of Uncertain Significance.